The following is an entry in ClinVar:

NM_015426.5(POC1A):c.1085C>T (p.Thr362Met)

Gene: POC1A (POC1 centriolar protein A; minus strand). Cytogenetic location: 3p21.2.
Variant type: single nucleotide variant.
Coding change: c.1085C>T on transcript NM_015426.5 (MANE Select); coding-DNA position 1085, C replaced by T.
Protein change: p.Thr362Met; replaces threonine 362 with methionine.
Molecular consequence: missense variant. On other transcripts: intron variant (1).
Genome position (GRCh38, 1-based): chr3:52,096,609, G>A on the plus strand (C>T on the coding strand, the complement: POC1A is on the minus strand). VCF-style: chr3-52096609-G-A. GRCh37 (hg19) VCF-style: chr3-52130625-G-A.
Other names: c.971C>T, p.Thr324Met (NM_001161581.2); c.982-20624C>T (NM_001161580.2); c.1085C>T (NM_015426.4); short protein forms T324M, T362M.
Identifiers: ClinVar variation 1516496 (VCV001516496.3), dbSNP rs186299883, ClinGen allele CA2429406.

ClinVar aggregate classification (germline): Uncertain significance. Review status: criteria provided, multiple submitters, no conflicts (2 of 4 stars). 3 submissions from 3 submitters: Uncertain significance (3). Last evaluated 2025-08-14.

Conditions:
Inborn genetic diseases. Identifiers: MedGen C0950123, MeSH D030342.
Short stature-onychodysplasia-facial dysmorphism-hypotrichosis syndrome. Also called: SOFT SYNDROME; Short stature, onychodysplasia, facial dysmorphism, and hypotrichosis. Identifiers: Orphanet 314394, MedGen C3542022, MONDO:0013894, OMIM 614813.

Allele frequency attached by ClinVar (database versions not stated): ESP Exome Variant Server 0.00015; ExAC 0.00019; gnomAD exomes 0.00024 and 0.00025; gnomAD 0.00042 and 0.00045; 1000 Genomes Project 30x 0.00047; 1000 Genomes Project 0.00060; TOPMed 0.00079.
gnomAD v4.1: 425 of 1,610,784 alleles (0.026%); highest among the groups gnomAD compares: Admixed American, 0.13%; no homozygotes.

Submissions (3):

Ambry Genetics
Classification: Uncertain significance for Inborn genetic diseases. Last evaluated: 2025-08-14. Review status: criteria provided, single submitter. Criteria: Ambry Variant Classification Scheme 2023. Collection method: clinical testing. Allele origin: germline.

Labcorp Genetics (formerly Invitae), Labcorp
Classification: Uncertain significance. Last evaluated: 2022-10-18. Review status: criteria provided, single submitter. Criteria: Invitae Variant Classification Sherloc (09022015). Collection method: clinical testing. Allele origin: germline.
Comment: This sequence change replaces threonine, which is neutral and polar, with methionine, which is neutral and non-polar, at codon 362 of the POC1A protein (p.Thr362Met). This variant is present in population databases (rs186299883, gnomAD 0.1%). This variant has not been reported in the literature in individuals affected with POC1A-related conditions. ClinVar contains an entry for this variant (Variation ID: 1516496). Algorithms developed to predict the effect of missense changes on protein structure and function are either unavailable or do not agree on the potential impact of this missense change (SIFT: "Not Available"; PolyPhen-2: "Probably Damaging"; Align-GVGD: "Not Available"). In summary, the available evidence is currently insufficient to determine the role of this variant in disease. Therefore, it has been classified as a Variant of Uncertain Significance.

Neuberg Centre For Genomic Medicine, NCGM
Classification: Uncertain significance for Short stature-onychodysplasia-facial dysmorphism-hypotrichosis syndrome. Review status: criteria provided, single submitter. Criteria: ACMG Guidelines, 2015. Collection method: clinical testing. Allele origin: germline. Inheritance: Autosomal recessive inheritance. Affected: yes.
Comment: The missense variant c.1085C>T(p.Thr362Met) in POC1A gene has not been reported previously as a pathogenic variant nor as a benign variant, to our knowledge. The p.Thr362Met variant is novel (not in any individuals) in 1000 Genomes and allele frequency of 0.02653% is reported in gnomAD. The amino acid Thr at position 362 is changed to a Met changing protein sequence and it might alter its composition and physico-chemical properties. The variant is predicted to be damaging by both SIFT and PolyPhen2. The residue is conserved across species. The amino acid change p.Thr362Met in POC1A is predicted as conserved by GERP++ and PhyloP across 100 vertebrates. For these reasons, this variant has been classified as Uncertain Significance. In the absence of another reportable variant the molecular diagnosis is not confirmed.